The following is an entry in ClinVar:

ClinVar aggregate classification (germline): Uncertain significance (1 of 4 stars; one submission).

gnomAD v4.1: 7 of 1,614,184 alleles (0.00043%); highest among the groups gnomAD compares: Non-Finnish European, 0.00059%; no homozygotes.

Submission:

Labcorp Genetics (formerly Invitae), Labcorp
Classification: Uncertain significance. Last evaluated: 2024-03-08. Review status: criteria provided, single submitter. Criteria: Invitae Variant Classification Sherloc (09022015). Collection method: clinical testing. Allele origin: germline.
Comment: This sequence change replaces aspartic acid, which is acidic and polar, with glycine, which is neutral and non-polar, at codon 46 of the ANG protein (p.Asp46Gly). This variant is present in population databases (no rsID available, gnomAD 0.0009%). This missense change has been observed in individual(s) with amyotrophic lateral sclerosis (PMID: 22292843). This variant is also known as D22G. An algorithm developed to predict the effect of missense changes on protein structure and function (PolyPhen-2) suggests that this variant is likely to be tolerated. Experimental studies have shown that this missense change affects ANG function (PMID: 25372031). In summary, the available evidence is currently insufficient to determine the role of this variant in disease. Therefore, it has been classified as a Variant of Uncertain Significance.

Literature cited by the submitters: PubMed 22292843; PubMed 25372031.

NM_001097577.3(ANG):c.137A>G (p.Asp46Gly)

Genes: ANG (angiogenin; plus strand), EGILA (EGFR interacting lncRNA; minus strand), RNASE4 (ribonuclease A family member 4; plus strand). Cytogenetic location: 14q11.2.
Variant type: single nucleotide variant.
Coding change: c.137A>G on transcript NM_001097577.3 (MANE Select); coding-DNA position 137, A replaced by G.
Protein change: p.Asp46Gly; replaces aspartic acid 46 with glycine.
Molecular consequence: missense variant. On other transcripts: non-coding transcript variant (1), intron variant (4).
Genome position (GRCh38, 1-based): chr14:20,693,701, A>G. VCF-style: chr14-20693701-A-G. GRCh37 (hg19) VCF-style: chr14-21161860-A-G.
Other names: c.137A>G, p.Asp46Gly (NM_001145.4, NM_001385271.1, NM_001385272.1 and 2 more transcripts); c.-18+51A>G (NM_001282192.2); c.-17-5654A>G (NM_002937.5, NM_001282193.2); c.-18+4827A>G (NM_194431.3); short protein forms D46G.
Identifiers: ClinVar variation 3721426 (VCV003721426.2).
Genomic context (GRCh38, chr14:20,693,701, plus strand): 5'-ATAACTCCAGGTACACACACTTCCTGACCCAGCACTATGATGCCAAACCACAGGGCCGGG[A>G]TGACAGATACTGTGAAAGCATCATGAGGAGACGGGGCCTGACCTCACCCTGCAAAGACAT-3'
Protein context (NP_001091046.1, residues 36-56): QHYDAKPQGR[Asp46Gly]DRYCESIMRR